The following is an entry in ClinVar:

ClinVar aggregate classification (germline): Uncertain significance (1 of 4 stars; one submission).

Submission:

Labcorp Genetics (formerly Invitae), Labcorp
Classification: Uncertain significance. Last evaluated: 2021-12-21. Review status: criteria provided, single submitter. Criteria: Invitae Variant Classification Sherloc (09022015). Collection method: clinical testing. Allele origin: germline.
Comment: This sequence change creates a premature translational stop signal (p.Phe582Cysfs*130) in the H6PD gene. While this is not anticipated to result in nonsense mediated decay, it is expected to disrupt the last 210 amino acid(s) of the H6PD protein. This variant is present in population databases (rs780502365, gnomAD 0.02%). This variant has not been reported in the literature in individuals affected with H6PD-related conditions. Experimental studies and prediction algorithms are not available or were not evaluated, and the functional significance of this variant is currently unknown. In summary, the available evidence is currently insufficient to determine the role of this variant in disease. Therefore, it has been classified as a Variant of Uncertain Significance.

NM_004285.4(H6PD):c.1745_1766del (p.Phe582fs)

Gene: H6PD (hexose-6-phosphate dehydrogenase/glucose 1-dehydrogenase; plus strand). Cytogenetic location: 1p36.22.
Variant type: Deletion.
Coding change: c.1745_1766del on transcript NM_004285.4 (MANE Select); coding-DNA positions 1745 to 1766, 22 bases deleted (TTGGCCAGTTCCACCTGGCACT).
Protein change: p.Phe582fs; shifts the reading frame from phenylalanine 582.
Molecular consequence: frameshift variant.
Genome position (GRCh38, 1-based): chr1:9,264,238-9,264,259, TTGGCCAGTTCCACCTGGCACT deleted; deleting any 22 consecutive bases within chr1:9,264,236-9,264,259 gives the same sequence; the c. name uses the placement nearest the transcript's 3' end. VCF-style (leftmost placement, unchanged base first): chr1-9264235-GCTTTGGCCAGTTCCACCTGGCA-G. GRCh37 (hg19) VCF-style: chr1-9324294-GCTTTGGCCAGTTCCACCTGGCA-G.
Other names: c.1778_1799del, p.Phe593fs (NM_001282587.2); short protein forms F582fs, F593fs.
Identifiers: ClinVar variation 2415138 (VCV002415138.3), dbSNP rs780502365, ClinGen allele CA575403.